The following is an entry in ClinVar:

ClinVar aggregate classification (germline): Uncertain significance (1 of 4 stars; one submission).

Submission:

GeneDx
Classification: Uncertain significance. Last evaluated: 2023-03-28. Review status: criteria provided, single submitter. Criteria: GeneDx Variant Classification Process June 2021. Collection method: clinical testing. Allele origin: germline. Affected: yes.
Comment: Not observed at significant frequency in large population cohorts (gnomAD); In silico analysis supports that this missense variant does not alter protein structure/function; Has not been previously published as pathogenic or benign to our knowledge

NM_001429.4(EP300):c.2357G>T (p.Ser786Ile)

Gene: EP300 (E1A binding protein p300; plus strand). Cytogenetic location: 22q13.2.
Variant type: single nucleotide variant.
Coding change: c.2357G>T on transcript NM_001429.4 (MANE Select); coding-DNA position 2357, G replaced by T.
Protein change: p.Ser786Ile; replaces serine 786 with isoleucine.
Molecular consequence: missense variant.
Genome position (GRCh38, 1-based): chr22:41,149,153, G>T. VCF-style: chr22-41149153-G-T. GRCh37 (hg19) VCF-style: chr22-41545157-G-T.
Other names: c.2279G>T, p.Ser760Ile (NM_001362843.2); short protein forms S760I, S786I.
Identifiers: ClinVar variation 2446580 (VCV002446580.1), dbSNP rs2145736158, ClinGen allele CA411690930.